The following is an entry in ClinVar:

NM_000631.5(NCF4):c.68C>T (p.Ser23Leu)

Genes: NCF4 (neutrophil cytosolic factor 4; plus strand), NCF4-AS1 (NCF4 antisense RNA 1; minus strand). Cytogenetic location: 22q12.3.
Variant type: single nucleotide variant.
Coding change: c.68C>T on transcript NM_000631.5 (MANE Select); coding-DNA position 68, C replaced by T.
Protein change: p.Ser23Leu; replaces serine 23 with leucine.
Molecular consequence: missense variant.
Genome position (GRCh38, 1-based): chr22:36,864,080, C>T. VCF-style: chr22-36864080-C-T. GRCh37 (hg19) VCF-style: chr22-37260122-C-T.
Other names: c.68C>T, p.Ser23Leu (NM_013416.4); short protein forms S23L.
Identifiers: ClinVar variation 1428981 (VCV001428981.8), dbSNP rs1001835888, ClinGen allele CA323984523.

ClinVar aggregate classification (germline): Uncertain significance (1 of 4 stars; one submission).

Conditions:
Granulomatous disease, chronic, autosomal recessive, cytochrome b-positive, type 3. Also called: GRANULOMATOUS DISEASE, CHRONIC, AUTOSOMAL RECESSIVE, 3; CGD, AUTOSOMAL RECESSIVE CYTOCHROME b-POSITIVE, TYPE III; GRANULOMATOUS DISEASE, CHRONIC, DUE TO NCF4 DEFICIENCY; Granulomatous disease, chronic, autosomal recessive, cytochrome b-positive, type III. Identifiers: Orphanet 379, MedGen C3151409, MONDO:0013507, OMIM 613960.

Allele frequency attached by ClinVar (database versions not stated): gnomAD exomes below 0.00001.
gnomAD v4.1: 3 of 1,614,176 alleles (0.00019%); highest among the groups gnomAD compares: Non-Finnish European, 0.00017%; no homozygotes.

Submission:

Labcorp Genetics (formerly Invitae), Labcorp
Classification: Uncertain significance for Granulomatous disease, chronic, autosomal recessive, cytochrome b-positive, type 3. Last evaluated: 2024-10-16. Review status: criteria provided, single submitter. Criteria: Invitae Variant Classification Sherloc (09022015). Collection method: clinical testing. Allele origin: germline.
Comment: This sequence change replaces serine, which is neutral and polar, with leucine, which is neutral and non-polar, at codon 23 of the NCF4 protein (p.Ser23Leu). This variant is not present in population databases (gnomAD no frequency). This variant has not been reported in the literature in individuals affected with NCF4-related conditions. ClinVar contains an entry for this variant (Variation ID: 1428981). An algorithm developed to predict the effect of missense changes on protein structure and function (PolyPhen-2) suggests that this variant is likely to be disruptive. In summary, the available evidence is currently insufficient to determine the role of this variant in disease. Therefore, it has been classified as a Variant of Uncertain Significance.